The following is an entry in ClinVar:

ClinVar aggregate classification (germline): Uncertain significance (1 of 4 stars; one submission).

Conditions:
Norman-Roberts syndrome (LIS2). Also called: Lissencephaly 2 (Norman-Roberts type). Identifiers: Orphanet 89844, MedGen C0796089, MONDO:0009760, OMIM 257320.
Familial temporal lobe epilepsy 7. Identifiers: Orphanet 101046, MedGen C4225327, MONDO:0014639, OMIM 616436.

gnomAD v4.1: 2 of 1,613,084 alleles (0.00012%); highest among the groups gnomAD compares: East Asian, 0.0045%; no homozygotes.

Submission:

Labcorp Genetics (formerly Invitae), Labcorp
Classification: Uncertain significance for Familial temporal lobe epilepsy 7; Norman-Roberts syndrome. Last evaluated: 2025-11-21. Review status: criteria provided, single submitter. Criteria: Invitae Variant Classification Sherloc (09022015). Collection method: clinical testing. Allele origin: germline.
Comment: This sequence change replaces glycine, which is neutral and non-polar, with arginine, which is basic and polar, at codon 904 of the RELN protein (p.Gly904Arg). This variant is present in population databases (no rsID available, gnomAD 0.006%). This variant has not been reported in the literature in individuals affected with RELN-related conditions. Invitae Evidence Modeling of protein sequence and biophysical properties (such as structural, functional, and spatial information, amino acid conservation, physicochemical variation, residue mobility, and thermodynamic stability) has been performed for this missense variant. However, the output from this modeling did not meet the statistical confidence thresholds required to predict the impact of this variant on RELN protein function. In summary, the available evidence is currently insufficient to determine the role of this variant in disease. Therefore, it has been classified as a Variant of Uncertain Significance.

NM_005045.4(RELN):c.2710G>A (p.Gly904Arg)

Gene: RELN (reelin; minus strand). Cytogenetic location: 7q22.1.
Variant type: single nucleotide variant.
Coding change: c.2710G>A on transcript NM_005045.4 (MANE Select); coding-DNA position 2710, G replaced by A.
Protein change: p.Gly904Arg; replaces glycine 904 with arginine.
Molecular consequence: missense variant.
Genome position (GRCh38, 1-based): chr7:103,611,796, C>T on the plus strand (G>A on the coding strand, the complement: RELN is on the minus strand). VCF-style: chr7-103611796-C-T. GRCh37 (hg19) VCF-style: chr7-103252243-C-T.
Other names: c.2710G>A, p.Gly904Arg (NM_173054.3); short protein forms G904R.
Identifiers: ClinVar variation 4783055 (VCV004783055.1).